The following is an entry in ClinVar:

ClinVar aggregate classification (germline): Uncertain significance (1 of 4 stars; one submission).

Conditions:
Hereditary cancer-predisposing syndrome. Also called: Hereditary neoplastic syndrome; Neoplastic Syndromes, Hereditary; Tumor predisposition; Hereditary Cancer Syndrome. Identifiers: Orphanet 140162, MedGen C0027672, MeSH D009386, MONDO:0015356.

Submission:

Ambry Genetics
Classification: Uncertain significance for Hereditary cancer-predisposing syndrome. Last evaluated: 2025-07-12. Review status: criteria provided, single submitter. Criteria: Ambry Variant Classification Scheme 2023. Collection method: clinical testing. Allele origin: germline.
Comment: The p.V589L variant (also known as c.1765G>C), located in coding exon 16 of the NF2 gene, results from a G to C substitution at nucleotide position 1765. The valine at codon 589 is replaced by leucine, an amino acid with highly similar properties. This amino acid position is conserved. In addition, the in silico prediction for this alteration is inconclusive. Based on the available evidence, the clinical significance of this variant remains unclear.

NM_000268.4(NF2):c.1765G>C (p.Val589Leu)

Gene: NF2 (NF2, moesin-ezrin-radixin like (MERLIN) tumor suppressor; plus strand). Cytogenetic location: 22q12.2.
Variant type: single nucleotide variant.
Coding change: c.1765G>C on transcript NM_000268.4 (MANE Select); coding-DNA position 1765, G replaced by C.
Protein change: p.Val589Leu; replaces valine 589 with leucine.
Molecular consequence: missense variant. On other transcripts: 3 prime UTR variant (11), non-coding transcript variant (1).
Genome position (GRCh38, 1-based): chr22:29,694,779, G>C. VCF-style: chr22-29694779-G-C. GRCh37 (hg19) VCF-style: chr22-30090768-G-C.
Other names: c.1651G>C, p.Val551Leu (NM_001407053.1); c.1642G>C, p.Val548Leu (NM_001407054.1); c.1639G>C, p.Val547Leu (NM_001407055.1); c.*37G>C (NM_001407056.1, NM_001407059.1, NM_001407065.1 and 5 more transcripts); c.1630G>C, p.Val544Leu (NM_001407057.1); c.*52G>C (NM_001407058.1, NM_001407063.1, NM_181832.3); c.1602G>C, p.Glu534Asp (NM_001407060.1); c.1507G>C, p.Val503Leu (NM_001407062.1); and 2 more; short protein forms V159L, V503L, V548L, V544L, V547L, V589L, E451D, E534D.
Identifiers: ClinVar variation 4119211 (VCV004119211.1).